The following is an entry in ClinVar:

NM_170707.4(LMNA):c.1755C>T (p.Thr585=)

Gene: LMNA (lamin A/C; plus strand). Cytogenetic location: 1q22.
Variant type: single nucleotide variant.
Coding change: c.1755C>T on transcript NM_170707.4 (MANE Select); coding-DNA position 1755, C replaced by T.
Protein change: p.Thr585=; no amino-acid change (threonine 585 retained).
Molecular consequence: synonymous variant.
Genome position (GRCh38, 1-based): chr1:156,138,544, C>T. VCF-style: chr1-156138544-C-T. GRCh37 (hg19) VCF-style: chr1-156108335-C-T.
Other names: c.1419C>T, p.Thr473= (NM_001257374.3); c.1755C>T, p.Thr585= (NM_001282626.2); c.1665C>T, p.Thr555= (NM_170708.4).
Identifiers: ClinVar variation 704670 (VCV000704670.52), dbSNP rs545752475, ClinGen allele CA051251.

ClinVar aggregate classification (germline): Likely benign. Review status: criteria provided, multiple submitters, no conflicts (2 of 4 stars). 7 submissions from 7 submitters: Likely benign (7). Last evaluated 2025-11-11.

Conditions:
Cardiomyopathy (CMYO). Also called: Cardiomyopathies. Identifiers: Orphanet 167848, MedGen C0878544, MONDO:0004994, HP:0001638. Inheritance: Various modes of inheritance.
Primary dilated cardiomyopathy (DCM). Also called: Dilated Cardiomyopathy. Identifiers: Orphanet 217604, MedGen C0007193, MeSH D002311, MONDO:0005021, HP:0001644. Inheritance: Various modes of inheritance.
Charcot-Marie-Tooth disease type 2. Also called: Charcot-Marie-Tooth type 2. Identifiers: Orphanet 64746, MedGen C0270914, MONDO:0018993.
Cardiovascular phenotype. Identifiers: MedGen CN230736.

Allele frequency attached by ClinVar (database versions not stated): 1000 Genomes Project 30x 0.00016; 1000 Genomes Project 0.00020; ExAC 0.00002; gnomAD 0.00002 and 0.00003; gnomAD exomes 0.00002; TOPMed 0.00002.
gnomAD v4.1: 98 of 1,612,536 alleles (0.0061%); highest among the groups gnomAD compares: Non-Finnish European, 0.0078%; no homozygotes.

Submissions (7):

Labcorp Genetics (formerly Invitae), Labcorp
Classification: Likely benign for Charcot-Marie-Tooth disease type 2. Last evaluated: 2025-11-11. Review status: criteria provided, single submitter. Criteria: Invitae Variant Classification Sherloc (09022015). Collection method: clinical testing. Allele origin: germline.

All of Us Research Program, National Institutes of Health
Classification: Likely benign for Primary dilated cardiomyopathy. Last evaluated: 2023-12-13. Review status: criteria provided, single submitter. Criteria: ACMG Guidelines, 2015. Collection method: clinical testing. Allele origin: germline. Inheritance: Autosomal dominant inheritance. Observed: 15 variant alleles, 15 heterozygotes.
Comment: This study involves interpretation of variants in research participants for the purpose of population health screening. Participant phenotype was not available at the time of variant classification. Additional details can be found in publication PMID: 35346344, PMCID: PMC8962531

CHEO Genetics Diagnostic Laboratory, Children's Hospital of Eastern Ontario
Classification: Likely benign for Cardiomyopathy. Last evaluated: 2022-10-07. Review status: criteria provided, single submitter. Criteria: ACMG Guidelines, 2015. Collection method: clinical testing. Allele origin: germline.

CeGaT Center for Human Genetics Tuebingen
Classification: Likely benign. Last evaluated: 2022-10-01. Review status: criteria provided, single submitter. Criteria: CeGaT Center For Human Genetics Tuebingen Variant Classification Criteria Version 2. Collection method: clinical testing. Allele origin: germline. Affected: yes. Observed: 2 variant alleles.
Comment: LMNA: BP4, BP7

Ambry Genetics
Classification: Likely benign for Cardiovascular phenotype. Last evaluated: 2022-03-21. Review status: criteria provided, single submitter. Criteria: Ambry Variant Classification Scheme 2023. Collection method: clinical testing. Allele origin: germline.

GeneDx
Classification: Likely benign. Last evaluated: 2019-06-27. Review status: criteria provided, single submitter. Criteria: GeneDx Variant Classification Process June 2021. Collection method: clinical testing. Allele origin: germline. Affected: yes.

Color Diagnostics, LLC DBA Color Health
Classification: Likely benign for Cardiomyopathy. Last evaluated: 2018-11-30. Review status: criteria provided, single submitter. Criteria: ACMG Guidelines, 2015. Collection method: clinical testing. Allele origin: germline.